The following is an entry in ClinVar:

NM_021020.5(LZTS1):c.624C>T (p.Gly208=)

Gene: LZTS1 (leucine zipper tumor suppressor 1; minus strand). Cytogenetic location: 8p21.3.
Variant type: single nucleotide variant.
Coding change: c.624C>T on transcript NM_021020.5 (MANE Select); coding-DNA position 624, C replaced by T.
Protein change: p.Gly208=; no amino-acid change (glycine 208 retained).
Molecular consequence: synonymous variant.
Genome position (GRCh38, 1-based): chr8:20,253,307, G>A on the plus strand (C>T on the coding strand, the complement: LZTS1 is on the minus strand). VCF-style: chr8-20253307-G-A. GRCh37 (hg19) VCF-style: chr8-20110818-G-A.
Other names: c.624C>T (NM_021020.3); c.624C>T, p.Gly208= (NM_001362884.2).
Identifiers: ClinVar variation 2200431 (VCV002200431.6), dbSNP rs1027028571, ClinGen allele CA173399446.

ClinVar aggregate classification (germline): Likely benign. Review status: criteria provided, single submitter (1 of 4 stars). 2 submissions from 2 submitters: Likely benign (1). 1 of the submissions does not count toward it. Last evaluated 2024-05-23.

Conditions:
LZTS1-related disorder. Also called: LZTS1-related condition.

Allele frequency attached by ClinVar (database versions not stated): TOPMed below 0.00001.
gnomAD v4.1: 2 of 1,614,014 alleles (0.00012%); no homozygotes.

Submissions (2):

Labcorp Genetics (formerly Invitae), Labcorp
Classification: Likely benign. Last evaluated: 2024-05-23. Review status: criteria provided, single submitter. Criteria: Invitae Variant Classification Sherloc (09022015). Collection method: clinical testing. Allele origin: germline.

PreventionGenetics, part of Exact Sciences
Classification: Likely benign for LZTS1-related condition. Last evaluated: 2020-02-27. Review status: no assertion criteria provided. Collection method: clinical testing. Allele origin: germline. Not counted in ClinVar's aggregate classification.
Comment: This variant is classified as likely benign based on ACMG/AMP sequence variant interpretation guidelines (Richards et al. 2015 PMID: 25741868, with internal and published modifications).